The following is an entry in ClinVar:

NM_000089.4(COL1A2):c.1199G>A (p.Gly400Asp)

Gene: COL1A2 (collagen type I alpha 2 chain; plus strand). Cytogenetic location: 7q21.3.
Variant type: single nucleotide variant.
Coding change: c.1199G>A on transcript NM_000089.4 (MANE Select); coding-DNA position 1199, G replaced by A.
Protein change: p.Gly400Asp; replaces glycine 400 with aspartic acid.
Molecular consequence: missense variant.
Genome position (GRCh38, 1-based): chr7:94,410,890, G>A. VCF-style: chr7-94410890-G-A. GRCh37 (hg19) VCF-style: chr7-94040202-G-A.
Other names: short protein forms G400D.
Identifiers: ClinVar variation 1723615 (VCV001723615.4), dbSNP rs1215651130, ClinGen allele CA368221360.

ClinVar aggregate classification (germline): Pathogenic. Review status: criteria provided, multiple submitters, no conflicts (2 of 4 stars). 2 submissions from 2 submitters: Pathogenic (2). Last evaluated 2025-09-17.

Conditions:
Osteogenesis imperfecta type III (OI3). Also called: Osteogenesis imperfecta type 3; OI type 3; Osteogenesis imperfecta, progressively deforming with normal sclerae; OI type III; Progressively Deforming Osteogenesis Imperfecta. Identifiers: Orphanet 216812, Orphanet 666, MedGen C0268362, MONDO:0009804, OMIM 259420.

Submissions (2):

GeneDx
Classification: Pathogenic. Last evaluated: 2025-09-17. Review status: criteria provided, single submitter. Criteria: GeneDx Variant Classification Process June 2021. Collection method: clinical testing. Allele origin: germline. Affected: yes.
Comment: Reported in a patient with OI type III who also harbored p.(R978H) in the COL1A2 gene (PMID: 29807018); Not observed at significant frequency in large population cohorts (gnomAD); In silico analysis supports that this missense variant has a deleterious effect on protein structure/function; Occurs in the triple helical domain and replaces a glycine in a canonical Gly-X-Y repeat; missense substitution of a canonical glycine residue is expected to disrupt normal protein folding and function, and this is an established mechanism of disease (PMID: 34007986); This variant is associated with the following publications: (PMID: 34007986, 29807018)

Clinical Biomedical Laboratory, Shriners Hospital For Children - Canada
Classification: Pathogenic for Osteogenesis imperfecta type III. Last evaluated: 2025-07-16. Review status: criteria provided, single submitter. Criteria: ACMG Guidelines, 2015. Collection method: clinical testing. Allele origin: germline. Affected: yes.
Comment: This variant is predicted to substitute a glycine residue by an aspartic acid residue in the alpha 2 chain of collagen type I. Glycine substitutions in the triple helical domain of collagen type I cause disruption in the formation of the triple helix in the collagen molecule and are a typical cause of osteogenesis imperfecta. This variant is absent from the Genome Aggregation Database v.2.1.1, indicating it is very rare. A different amino acid change at the same position has been reported in the literature (PMID: 27090748). Prediction tools: (REVEL: 0.95) suggest that the variant is deleterious to protein function.

Literature cited by the submitters: PubMed 27090748 (cited by Clinical Biomedical Laboratory, Shriners Hospital For Children - Canada).